The following is an entry in ClinVar:

NM_001378030.1(CCDC78):c.954G>A (p.Arg318=)

Gene: CCDC78 (coiled-coil domain containing 78; minus strand). Cytogenetic location: 16p13.3.
Variant type: single nucleotide variant.
Coding change: c.954G>A on transcript NM_001378030.1 (MANE Select); coding-DNA position 954, G replaced by A.
Protein change: p.Arg318=; no amino-acid change (arginine 318 retained).
Molecular consequence: synonymous variant. On other transcripts: non-coding transcript variant (5), intron variant (1).
Genome position (GRCh38, 1-based): chr16:724,205, C>T on the plus strand (G>A on the coding strand, the complement: CCDC78 is on the minus strand). VCF-style: chr16-724205-C-T. GRCh37 (hg19) VCF-style: chr16-774205-C-T.
Other names: c.954G>A, p.Arg318= (NM_001031737.3); c.387G>A, p.Arg129= (NM_001378033.1); c.953+117G>A (NM_001378031.1).
Identifiers: ClinVar variation 949244 (VCV000949244.4), dbSNP rs2040592459, ClinGen allele CA492830209.

ClinVar aggregate classification (germline): Uncertain significance (1 of 4 stars; one submission).

Conditions:
Congenital myopathy with internal nuclei and atypical cores. Also called: Myopathy, centronuclear, 4. Identifiers: Orphanet 319160, MedGen C4707232, MONDO:0013890, OMIM 614807.

Allele frequency attached by ClinVar (database versions not stated): gnomAD exomes below 0.00001.
gnomAD v4.1: 3 of 1,593,472 alleles (0.00019%); highest among the groups gnomAD compares: Middle Eastern, 0.017%; no homozygotes.

Submission:

Labcorp Genetics (formerly Invitae), Labcorp
Classification: Uncertain significance for Congenital myopathy with internal nuclei and atypical cores. Last evaluated: 2025-03-18. Review status: criteria provided, single submitter. Criteria: Invitae Variant Classification Sherloc (09022015). Collection method: clinical testing. Allele origin: germline.
Comment: This sequence change affects codon 318 of the CCDC78 mRNA. It is a 'silent' change, meaning that it does not change the encoded amino acid sequence of the CCDC78 protein. It affects a nucleotide within the consensus splice site. This variant is not present in population databases (gnomAD no frequency). This variant has been observed in individual(s) with distal myopathy (internal data). ClinVar contains an entry for this variant (Variation ID: 949244). Algorithms developed to predict the effect of sequence changes on RNA splicing suggest that this variant may disrupt the consensus splice site. In summary, the available evidence is currently insufficient to determine the role of this variant in disease. Therefore, it has been classified as a Variant of Uncertain Significance.